The following is an entry in ClinVar:

NM_006231.4(POLE):c.3866G>T (p.Arg1289Leu)

Gene: POLE (DNA polymerase epsilon, catalytic subunit; minus strand). Cytogenetic location: 12q24.33.
Variant type: single nucleotide variant.
Coding change: c.3866G>T on transcript NM_006231.4 (MANE Select); coding-DNA position 3866, G replaced by T.
Protein change: p.Arg1289Leu; replaces arginine 1289 with leucine.
Molecular consequence: missense variant.
Genome position (GRCh38, 1-based): chr12:132,649,445, C>A on the plus strand (G>T on the coding strand, the complement: POLE is on the minus strand). VCF-style: chr12-132649445-C-A. GRCh37 (hg19) VCF-style: chr12-133226031-C-A.
Other names: c.3866G>T (NM_006231.2); short protein forms R1289L.
Identifiers: ClinVar variation 1384981 (VCV001384981.8), dbSNP rs781298285, ClinGen allele CA6893068.
Genomic context (GRCh38, chr12:132,649,445, plus strand): 5'-TCCCGGATGGCCCCGGGCCTGAGCACACCCTCTGCCGACTCCAGACGCTGCCTCTTCCTG[C>A]GGGCGAGGCGCTGCCGGGCCTGCAGCTGCCACTTCTTCTTGTGGAACCGGAGCCAGACAA-3'
Protein context (NP_006222.2, residues 1279-1299): WQLQARQRLA[Arg1289Leu]RKRQRLESAE

ClinVar aggregate classification (germline): Uncertain significance. Review status: criteria provided, multiple submitters, no conflicts (2 of 4 stars). 3 submissions from 3 submitters: Uncertain significance (3). Last evaluated 2025-09-14.

Conditions:
Hereditary cancer-predisposing syndrome. Also called: Tumor predisposition; Neoplastic Syndromes, Hereditary; Hereditary Cancer Syndrome; Hereditary neoplastic syndrome. Identifiers: Orphanet 140162, MedGen C0027672, MeSH D009386, MONDO:0015356.

gnomAD v4.1: 3 of 1,612,420 alleles (0.00019%); highest among the groups gnomAD compares: South Asian, 0.0011%; no homozygotes.

Submissions (3):

Labcorp Genetics (formerly Invitae), Labcorp
Classification: Uncertain significance. Last evaluated: 2025-09-14. Review status: criteria provided, single submitter. Criteria: Invitae Variant Classification Sherloc (09022015). Collection method: clinical testing. Allele origin: germline.
Comment: This sequence change replaces arginine, which is basic and polar, with leucine, which is neutral and non-polar, at codon 1289 of the POLE protein (p.Arg1289Leu). The frequency data for this variant in the population databases is considered unreliable, as metrics indicate poor data quality at this position in the gnomAD database. This variant has not been reported in the literature in individuals affected with POLE-related conditions. ClinVar contains an entry for this variant (Variation ID: 1384981). Invitae Evidence Modeling of protein sequence and biophysical properties (such as structural, functional, and spatial information, amino acid conservation, physicochemical variation, residue mobility, and thermodynamic stability) indicates that this missense variant is not expected to disrupt POLE protein function with a negative predictive value of 80%. In summary, the available evidence is currently insufficient to determine the role of this variant in disease. Therefore, it has been classified as a Variant of Uncertain Significance.

GeneDx
Classification: Uncertain significance. Last evaluated: 2024-10-29. Review status: criteria provided, single submitter. Criteria: GeneDx Variant Classification Process June 2021. Collection method: clinical testing. Allele origin: germline. Affected: yes.
Comment: Not observed at significant frequency in large population cohorts (gnomAD); In silico analysis supports that this missense variant has a deleterious effect on protein structure/function; Has not been previously published as pathogenic or benign to our knowledge

Ambry Genetics
Classification: Uncertain significance for Hereditary cancer-predisposing syndrome. Last evaluated: 2024-02-23. Review status: criteria provided, single submitter. Criteria: Ambry Variant Classification Scheme 2023. Collection method: clinical testing. Allele origin: germline.
Comment: The p.R1289L variant (also known as c.3866G>T), located in coding exon 31 of the POLE gene, results from a G to T substitution at nucleotide position 3866. The arginine at codon 1289 is replaced by leucine, an amino acid with dissimilar properties. This amino acid position is conserved. In addition, this alteration is predicted to be tolerated by in silico analysis. Based on the available evidence, the clinical significance of this alteration remains unclear.